The following is an entry in ClinVar:

ClinVar aggregate classification (germline): Likely pathogenic (1 of 4 stars; one submission).

Submission:

Labcorp Genetics (formerly Invitae), Labcorp
Classification: Likely pathogenic. Last evaluated: 2024-05-22. Review status: criteria provided, single submitter. Criteria: Invitae Variant Classification Sherloc (09022015). Collection method: clinical testing. Allele origin: germline.
Comment: This sequence change replaces glycine, which is neutral and non-polar, with valine, which is neutral and non-polar, at codon 294 of the COL2A1 protein (p.Gly294Val). This variant is not present in population databases (gnomAD no frequency). This variant has not been reported in the literature in individuals affected with COL2A1-related conditions. ClinVar contains an entry for this variant (Variation ID: 2117593). Advanced modeling of protein sequence and biophysical properties (such as structural, functional, and spatial information, amino acid conservation, physicochemical variation, residue mobility, and thermodynamic stability) performed at Invitae indicates that this missense variant is expected to disrupt COL2A1 protein function with a positive predictive value of 95%. This variant disrupts the triple helix domain of COL2A1. Glycine residues within the Gly-Xaa-Yaa repeats of the triple helix domain are required for the structure and stability of fibrillar collagens (PMID: 7695699, 8218237, 19344236). In COL2A1, variants affecting these glycine residues are significantly enriched in individuals with disease (PMID: 9016532, 17078022) compared to the general population (ExAC). In summary, the currently available evidence indicates that the variant is pathogenic, but additional data are needed to prove that conclusively. Therefore, this variant has been classified as Likely Pathogenic.

Literature cited by the submitters: PubMed 7695699; PubMed 8218237; PubMed 19344236; PubMed 9016532; PubMed 17078022.

NM_001844.5(COL2A1):c.881G>T (p.Gly294Val)

Gene: COL2A1 (collagen type II alpha 1 chain; minus strand). Cytogenetic location: 12q13.11.
Variant type: single nucleotide variant.
Coding change: c.881G>T on transcript NM_001844.5 (MANE Select); coding-DNA position 881, G replaced by T.
Protein change: p.Gly294Val; replaces glycine 294 with valine.
Molecular consequence: missense variant.
Genome position (GRCh38, 1-based): chr12:47,993,852, C>A on the plus strand (G>T on the coding strand, the complement: COL2A1 is on the minus strand). VCF-style: chr12-47993852-C-A. GRCh37 (hg19) VCF-style: chr12-48387635-C-A.
Other names: c.674G>T, p.Gly225Val (NM_033150.3); short protein forms G225V, G294V.
Identifiers: ClinVar variation 2117593 (VCV002117593.4), dbSNP rs2540168566, ClinGen allele CA384521940.